The following is an entry in ClinVar:

NM_025233.7(COASY):c.641C>T (p.Ala214Val)

Gene: COASY (Coenzyme A synthase; plus strand). Cytogenetic location: 17q21.2.
Variant type: single nucleotide variant.
Coding change: c.641C>T on transcript NM_025233.7 (MANE Select); coding-DNA position 641, C replaced by T.
Protein change: p.Ala214Val; replaces alanine 214 with valine.
Molecular consequence: missense variant.
Genome position (GRCh38, 1-based): chr17:42,563,263, C>T. VCF-style: chr17-42563263-C-T. GRCh37 (hg19) VCF-style: chr17-40715281-C-T.
Other names: c.641C>T, p.Ala214Val (NM_001042529.3); c.728C>T, p.Ala243Val (NM_001042532.4); short protein forms A214V, A243V.
Identifiers: ClinVar variation 599340 (VCV000599340.8), dbSNP rs1567904066, ClinGen allele CA399618733.
Genomic context (GRCh38, chr17:42,563,263, plus strand): 5'-GCGCTGTCGGTGGCACGTTTGACCGCCTGCACAACGCCCACAAGGTGTTGCTCAGTGTCG[C>T]GTGCATCCTGGCCCAGGAGCAGCTTGTGGTGGGAGTAGCAGACAAAGATCTGTTGAAGAG-3'
Protein context (NP_079509.5, residues 204-224): HNAHKVLLSV[Ala214Val]CILAQEQLVV

ClinVar aggregate classification (germline): Likely pathogenic. Review status: criteria provided, multiple submitters, no conflicts (2 of 4 stars). 3 submissions from 3 submitters: Likely pathogenic (2). 1 of the submissions does not count toward it. Last evaluated 2025-09-26.

Conditions:
COASY-Related Disorders.
Neurodegeneration with brain iron accumulation 6 (NBIA6). Also called: COASY protein-associated neurodegeneration. Identifiers: Orphanet 397725, MedGen C4517377, MONDO:0014290, OMIM 615643.

Allele frequency attached by ClinVar (database versions not stated): gnomAD exomes below 0.00001; gnomAD 0.00001.
gnomAD v4.1: 4 of 1,610,184 alleles (0.00025%); highest among the groups gnomAD compares: Admixed American, 0.0017%; no homozygotes.

Submissions (3):

Rady Children's Institute for Genomic Medicine, Rady Children's Hospital San Diego
Classification: Likely pathogenic for COASY-related disorders. Last evaluated: 2025-09-26. Review status: criteria provided, single submitter. Criteria: ACMG Guidelines, 2015. Collection method: clinical testing. Allele origin: germline. Affected: yes.
Comment: The c.641C>T (p.Ala214Val) variant affects a moderately conserved amino acid and is predicted by multiple in silico tools to have a deleterious effect on protein function. This variant has been previously reported as a compound heterozygous change in patients with COASY-related disorders (PMID: 28489334). The c.641C>T (p.Ala214Val) variant is present in the latest version of the gnomAD population database at an allele frequency of 0.0002% (4/1610184), and is absent in the homozygous state, thus is presumed to be rare. Based on the available evidence, c.641C>T (p.Ala214Val) is classified as Likely Pathogenic.

Labcorp Genetics (formerly Invitae), Labcorp
Classification: Likely pathogenic for Neurodegeneration with brain iron accumulation 6. Last evaluated: 2021-06-16. Review status: criteria provided, single submitter. Criteria: Invitae Variant Classification Sherloc (09022015). Collection method: clinical testing. Allele origin: germline.
Comment: This variant is not present in population databases (ExAC no frequency). In summary, the currently available evidence indicates that the variant is pathogenic, but additional data are needed to prove that conclusively. Therefore, this variant has been classified as Likely Pathogenic. Algorithms developed to predict the effect of missense changes on protein structure and function are either unavailable or do not agree on the potential impact of this missense change (SIFT: "Deleterious"; PolyPhen-2: "Benign"; Align-GVGD: "Class C0"). This variant has been observed in individual(s) with neurodegeneration with brain iron accumulation (PMID: 28489334, 28688840). It has also been observed to segregate with disease in related individuals. This variant is also known as c.728C>T, p.A243V. ClinVar contains an entry for this variant (Variation ID: 599340). This sequence change replaces alanine with valine at codon 214 of the COASY protein (p.Ala214Val). The alanine residue is moderately conserved and there is a small physicochemical difference between alanine and valine.

OMIM
Classification: Pathogenic for NEURODEGENERATION WITH BRAIN IRON ACCUMULATION 6. Last evaluated: 2019-01-09. Review status: no assertion criteria provided. Collection method: literature only. Allele origin: germline. Not counted in ClinVar's aggregate classification.

Literature cited by the submitters: PubMed 28489334 (cited by 3 submitters); PubMed 28688840 (cited by Labcorp Genetics (formerly Invitae), Labcorp).